The following is an entry in ClinVar:

NM_006133.3(DAGLA):c.2204G>T (p.Gly735Val)

Gene: DAGLA (diacylglycerol lipase alpha; plus strand). Cytogenetic location: 11q12.2.
Variant type: single nucleotide variant.
Coding change: c.2204G>T on transcript NM_006133.3 (MANE Select); coding-DNA position 2204, G replaced by T.
Protein change: p.Gly735Val; replaces glycine 735 with valine.
Molecular consequence: missense variant.
Genome position (GRCh38, 1-based): chr11:61,743,564, G>T. VCF-style: chr11-61743564-G-T. GRCh37 (hg19) VCF-style: chr11-61511036-G-T.
Other names: short protein forms G735V.
Identifiers: ClinVar variation 776618 (VCV000776618.6), dbSNP rs35056845, ClinGen allele CA6037133.

ClinVar aggregate classification (germline): Benign. Review status: criteria provided, multiple submitters, no conflicts (2 of 4 stars). 3 submissions from 3 submitters: Benign (2). 1 of the submissions does not count toward it. Last evaluated 2018-03-29.

Conditions:
DAGLA-related disorder. Also called: DAGLA-related condition.

Allele frequency attached by ClinVar (database versions not stated): gnomAD exomes 0.00665; ExAC 0.00730; gnomAD 0.02141; ESP Exome Variant Server 0.02227; TOPMed 0.02486; 1000 Genomes Project 0.02796; 1000 Genomes Project 30x 0.03014.
gnomAD v4.1: 6,439 of 1,545,992 alleles (0.42%); highest among the groups gnomAD compares: African/African-American, 7.7%; 226 homozygotes.

Submissions (3):

Labcorp Genetics (formerly Invitae), Labcorp
Classification: Benign. Last evaluated: 2018-03-29. Review status: criteria provided, single submitter. Criteria: Invitae Variant Classification Sherloc (09022015). Collection method: clinical testing. Allele origin: germline.

Breakthrough Genomics
Classification: Benign. Review status: criteria provided, single submitter. Criteria: ACMG Guidelines, 2015. Collection method: not provided. Allele origin: germline. Inheritance: Unknown mechanism. Affected: yes.

PreventionGenetics, part of Exact Sciences
Classification: Benign for DAGLA-related condition. Last evaluated: 2019-07-16. Review status: no assertion criteria provided. Collection method: clinical testing. Allele origin: germline. Not counted in ClinVar's aggregate classification.
Comment: This variant is classified as benign based on ACMG/AMP sequence variant interpretation guidelines (Richards et al. 2015 PMID: 25741868, with internal and published modifications).